The following is an entry in ClinVar:

ClinVar aggregate classification (germline): Uncertain significance (1 of 4 stars; one submission).

Allele frequency attached by ClinVar (database versions not stated): gnomAD exomes below 0.00001; gnomAD 0.00001; TOPMed 0.00001; ExAC 0.00002; 1000 Genomes Project 0.00020; 1000 Genomes Project 30x 0.00031.
gnomAD v4.1: 7 of 1,614,112 alleles (0.00043%); highest among the groups gnomAD compares: Admixed American, 0.0033%; no homozygotes.

Submission:

Labcorp Genetics (formerly Invitae), Labcorp
Classification: Uncertain significance. Last evaluated: 2024-08-06. Review status: criteria provided, single submitter. Criteria: Invitae Variant Classification Sherloc (09022015). Collection method: clinical testing. Allele origin: germline.
Comment: This sequence change replaces threonine, which is neutral and polar, with isoleucine, which is neutral and non-polar, at codon 287 of the TRMT5 protein (p.Thr287Ile). This variant is present in population databases (rs553043130, gnomAD 0.003%). This variant has not been reported in the literature in individuals affected with TRMT5-related conditions. ClinVar contains an entry for this variant (Variation ID: 1420167). Advanced modeling of protein sequence and biophysical properties (such as structural, functional, and spatial information, amino acid conservation, physicochemical variation, residue mobility, and thermodynamic stability) performed at Invitae indicates that this missense variant is expected to disrupt TRMT5 protein function with a positive predictive value of 80%. In summary, the available evidence is currently insufficient to determine the role of this variant in disease. Therefore, it has been classified as a Variant of Uncertain Significance.

NM_020810.3(TRMT5):c.860C>T (p.Thr287Ile)

Gene: TRMT5 (tRNA methyltransferase 5; minus strand). Cytogenetic location: 14q23.1.
Variant type: single nucleotide variant.
Coding change: c.860C>T on transcript NM_020810.3 (MANE Select); coding-DNA position 860, C replaced by T.
Protein change: p.Thr287Ile; replaces threonine 287 with isoleucine.
Molecular consequence: missense variant.
Genome position (GRCh38, 1-based): chr14:60,976,059, G>A on the plus strand (C>T on the coding strand, the complement: TRMT5 is on the minus strand). VCF-style: chr14-60976059-G-A. GRCh37 (hg19) VCF-style: chr14-61442777-G-A.
Other names: c.944C>T, p.Thr315Ile (NM_001350253.1); c.941C>T, p.Thr314Ile (NM_001350254.1); short protein forms T287I, T314I, T315I.
Identifiers: ClinVar variation 1420167 (VCV001420167.8), dbSNP rs553043130, ClinGen allele CA7213808.